The following is an entry in ClinVar:

NM_000088.4(COL1A1):c.724G>C (p.Gly242Arg)

Genes: COL1A1 (collagen type I alpha 1 chain; minus strand), LOC126862586 (CDK7 strongly-dependent group 2 enhancer GRCh37_chr17:48273702-48274901; plus strand). Cytogenetic location: 17q21.33.
Variant type: single nucleotide variant.
Coding change: c.724G>C on transcript NM_000088.4 (MANE Select); coding-DNA position 724, G replaced by C.
Protein change: p.Gly242Arg; replaces glycine 242 with arginine.
Molecular consequence: missense variant.
Genome position (GRCh38, 1-based): chr17:50,197,206, C>G on the plus strand (G>C on the coding strand, the complement: COL1A1 is on the minus strand). VCF-style: chr17-50197206-C-G. GRCh37 (hg19) VCF-style: chr17-48274567-C-G.
Other names: short protein forms G242R.
Identifiers: ClinVar variation 4800897 (VCV004800897.1).

ClinVar aggregate classification (germline): Pathogenic (1 of 4 stars; one submission).

Conditions:
Osteogenesis imperfecta type I (OI1). Also called: OI, TYPE I; OSTEOGENESIS IMPERFECTA TARDA; OSTEOGENESIS IMPERFECTA WITH BLUE SCLERAE; Lobstein's Disease; Osteogenesis imperfecta type 1; Classic Non-deforming Osteogenesis Imperfecta with Blue Sclerae. Identifiers: Orphanet 216796, Orphanet 666, MedGen C0023931, MONDO:0008146, OMIM 166200. Disease mechanism: loss of function.

Submission:

Labcorp Genetics (formerly Invitae), Labcorp
Classification: Pathogenic for Osteogenesis imperfecta type I. Last evaluated: 2025-03-10. Review status: criteria provided, single submitter. Criteria: Invitae Variant Classification Sherloc (09022015). Collection method: clinical testing. Allele origin: germline.
Comment: This sequence change replaces glycine, which is neutral and non-polar, with arginine, which is basic and polar, at codon 242 of the COL1A1 protein (p.Gly242Arg). This variant is not present in population databases (gnomAD no frequency). This missense change has been observed in individual(s) with clinical features of osteogenesis imperfecta (internal data). Invitae Evidence Modeling of protein sequence and biophysical properties (such as structural, functional, and spatial information, amino acid conservation, physicochemical variation, residue mobility, and thermodynamic stability) indicates that this missense variant is expected to disrupt COL1A1 protein function with a positive predictive value of 95%. This variant disrupts the triple helix domain of COL1A1. Glycine residues within the Gly-Xaa-Yaa repeats of the triple helix domain are required for the structure and stability of fibrillar collagens (PMID: 7695699, 8218237, 19344236). In COL1A1, variants affecting these glycine residues are significantly enriched in individuals with disease (PMID: 9016532, 17078022) compared to the general population (ExAC). This variant disrupts the p.Gly242 amino acid residue in COL1A1. Other variant(s) that disrupt this residue have been observed in individuals with COL1A1-related conditions (PMID: 16705691, 30715774), which suggests that this may be a clinically significant amino acid residue. For these reasons, this variant has been classified as Pathogenic.

Literature cited by the submitters: PubMed 7695699; PubMed 8218237; PubMed 19344236; PubMed 9016532; PubMed 17078022; PubMed 16705691; PubMed 30715774.